The following is an entry in ClinVar:

ClinVar aggregate classification (germline): Uncertain significance (1 of 4 stars; one submission).

Conditions:
Inborn genetic diseases. Identifiers: MedGen C0950123, MeSH D030342.

Submission:

Ambry Genetics
Classification: Uncertain significance for Inborn genetic diseases. Last evaluated: 2022-06-29. Review status: criteria provided, single submitter. Criteria: Ambry Variant Classification Scheme 2023. Collection method: clinical testing. Allele origin: germline.
Comment: The p.I2377T variant (also known as c.7130T>C), located in coding exon 42 of the ATR gene, results from a T to C substitution at nucleotide position 7130. The isoleucine at codon 2377 is replaced by threonine, an amino acid with similar properties. This amino acid position is conserved. In addition, this alteration is predicted to be deleterious by in silico analysis. Since supporting evidence is limited at this time, the clinical significance of this alteration remains unclear.

NM_001184.4(ATR):c.7130T>C (p.Ile2377Thr)

Gene: ATR (ATR checkpoint kinase; minus strand). Cytogenetic location: 3q23.
Variant type: single nucleotide variant.
Coding change: c.7130T>C on transcript NM_001184.4 (MANE Select); coding-DNA position 7130, T replaced by C.
Protein change: p.Ile2377Thr; replaces isoleucine 2377 with threonine.
Molecular consequence: missense variant.
Genome position (GRCh38, 1-based): chr3:142,462,002, A>G on the plus strand (T>C on the coding strand, the complement: ATR is on the minus strand). VCF-style: chr3-142462002-A-G. GRCh37 (hg19) VCF-style: chr3-142180844-A-G.
Other names: c.6938T>C, p.Ile2313Thr (NM_001354579.2); short protein forms I2313T, I2377T.
Identifiers: ClinVar variation 1757316 (VCV001757316.2), dbSNP rs2108265973, ClinGen allele CA354799515.